The following is an entry in ClinVar:

ClinVar aggregate classification (germline): Uncertain significance (1 of 4 stars; one submission).

Conditions:
Developmental and epileptic encephalopathy, 36 (DEE36). Also called: Epileptic encephalopathy, early infantile, 36; Congenital disorder of glycosylation, type Is; ALG13-CDG. Identifiers: Orphanet 324422, MedGen C4317295, MONDO:0010472, OMIM 300884.

gnomAD v4.1: 4 of 1,183,351 alleles (0.00034%); highest among the groups gnomAD compares: Admixed American, 0.0067%; no homozygotes.

Submission:

Labcorp Genetics (formerly Invitae), Labcorp
Classification: Uncertain significance for Developmental and epileptic encephalopathy, 36. Last evaluated: 2024-09-14. Review status: criteria provided, single submitter. Criteria: Invitae Variant Classification Sherloc (09022015). Collection method: clinical testing. Allele origin: germline.
Comment: This sequence change replaces arginine, which is basic and polar, with glutamine, which is neutral and polar, at codon 312 of the ALG13 protein (p.Arg312Gln). The frequency data for this variant in the population databases is considered unreliable, as metrics indicate poor data quality at this position in the gnomAD database. This variant has not been reported in the literature in individuals affected with ALG13-related conditions. An algorithm developed to predict the effect of missense changes on protein structure and function (PolyPhen-2) suggests that this variant is likely to be disruptive. In summary, the available evidence is currently insufficient to determine the role of this variant in disease. Therefore, it has been classified as a Variant of Uncertain Significance.

NM_001099922.3(ALG13):c.935G>A (p.Arg312Gln)

Gene: ALG13 (ALG13 UDP-N-acetylglucosaminyltransferase subunit; plus strand). Cytogenetic location: Xq23.
Variant type: single nucleotide variant.
Coding change: c.935G>A on transcript NM_001099922.3 (MANE Select); coding-DNA position 935, G replaced by A.
Protein change: p.Arg312Gln; replaces arginine 312 with glutamine.
Molecular consequence: missense variant. On other transcripts: non-coding transcript variant (1).
Genome position (GRCh38, 1-based): chrX:111,713,227, G>A. VCF-style: chrX-111713227-G-A. GRCh37 (hg19) VCF-style: chrX-110956455-G-A.
Other names: c.623G>A, p.Arg208Gln (NM_001257230.2, NM_001257234.2, NM_001257237.2 and 1 more transcripts); c.701G>A, p.Arg234Gln (NM_001257231.2); c.935G>A, p.Arg312Gln (NM_001324292.2); short protein forms R208Q, R312Q, R234Q.
Identifiers: ClinVar variation 3651867 (VCV003651867.2).